The following is an entry in ClinVar:

ClinVar aggregate classification (germline): Pathogenic (1 of 4 stars; one submission).

Conditions:
Facioscapulohumeral muscular dystrophy 2 (FSHD2). Also called: FACIOSCAPULOHUMERAL MUSCULAR DYSTROPHY 2, DIGENIC; FSHD2, DIGENIC; MUSCULAR DYSTROPHY, FACIOSCAPULOHUMERAL, TYPE 1B. Identifiers: Orphanet 269, MedGen C1834671, MONDO:0008031, OMIM 158901.

Submission:

Labcorp Genetics (formerly Invitae), Labcorp
Classification: Pathogenic for Facioscapulohumeral muscular dystrophy 2. Last evaluated: 2017-11-28. Review status: criteria provided, single submitter. Criteria: Invitae Variant Classification Sherloc (09022015). Collection method: clinical testing. Allele origin: germline.
Comment: This sequence change creates a premature translational stop signal (p.Val1369Phefs*14) in the SMCHD1 gene. It is expected to result in an absent or disrupted protein product. This variant is not present in population databases (ExAC no frequency). This variant has not been reported in the literature in individuals with SMCHD1-related disease. While this particular variant has not been reported in the literature, loss of function variants in SMCHD1 are known to be pathogenic (PMID: 23143600). For these reasons, this variant has been classified as Pathogenic.

Literature cited by the submitters: PubMed 23143600.

NM_015295.3(SMCHD1):c.4104del (p.Val1369fs)

Gene: SMCHD1 (structural maintenance of chromosomes flexible hinge domain containing 1; plus strand). Cytogenetic location: 18p11.32.
Variant type: Deletion.
Coding change: c.4104del on transcript NM_015295.3 (MANE Select); coding-DNA position 4104, one base deleted (C; older notation c.4104delC).
Protein change: p.Val1369fs; shifts the reading frame from valine 1369.
Molecular consequence: frameshift variant.
Genome position (GRCh38, 1-based): chr18:2,750,446, C deleted; the last of 3 consecutive C bases (chr18:2,750,444-2,750,446); deleting any one gives the same sequence. VCF-style (leftmost placement, unchanged base first): chr18-2750443-AC-A. GRCh37 (hg19) VCF-style: chr18-2750441-AC-A.
Other names: c.4104delC (NM_015295.2); short protein forms V1369fs.
Identifiers: ClinVar variation 532807 (VCV000532807.7), dbSNP rs1555647265, ClinGen allele CA658798990.